The following is an entry in ClinVar:

NM_000051.4(ATM):c.2303A>T (p.Asn768Ile)

Gene: ATM (ATM serine/threonine kinase; plus strand). Cytogenetic location: 11q22.3.
Variant type: single nucleotide variant.
Coding change: c.2303A>T on transcript NM_000051.4 (MANE Select); coding-DNA position 2303, A replaced by T.
Protein change: p.Asn768Ile; replaces asparagine 768 with isoleucine.
Molecular consequence: missense variant.
Genome position (GRCh38, 1-based): chr11:108,257,533, A>T. VCF-style: chr11-108257533-A-T. GRCh37 (hg19) VCF-style: chr11-108128260-A-T.
Other names: c.2303A>T, p.Asn768Ile (NM_001351834.2); short protein forms N768I.
Identifiers: ClinVar variation 2587796 (VCV002587796.2), dbSNP rs2080577809, ClinGen allele CA382539824.
Genomic context (GRCh38, chr11:108,257,533, plus strand): 5'-CACAATAGTCTCTAATGCAATGTGCAGGAGAAAGTATCACTCTGTTTAAAAATAAGACAA[A>T]TGAGGAATTCAGAATTGGTTCCTTGAGAAATATGATGCAGCTATGTACACGTTGCTTGAG-3'
Protein context (NP_000042.3, residues 758-778): ESITLFKNKT[Asn768Ile]EEFRIGSLRN

ClinVar aggregate classification (germline): Uncertain significance (1 of 4 stars; one submission).

Conditions:
Hereditary cancer-predisposing syndrome. Also called: Tumor predisposition; Hereditary Cancer Syndrome; Hereditary neoplastic syndrome; Neoplastic Syndromes, Hereditary. Identifiers: Orphanet 140162, MedGen C0027672, MeSH D009386, MONDO:0015356.

Submission:

Ambry Genetics
Classification: Uncertain significance for Hereditary cancer-predisposing syndrome. Last evaluated: 2023-08-14. Review status: criteria provided, single submitter. Criteria: Ambry Variant Classification Scheme 2023. Collection method: clinical testing. Allele origin: germline.
Comment: The p.N768I variant (also known as c.2303A>T), located in coding exon 14 of the ATM gene, results from an A to T substitution at nucleotide position 2303. The asparagine at codon 768 is replaced by isoleucine, an amino acid with dissimilar properties. This amino acid position is not well conserved in available vertebrate species. In addition, this alteration is predicted to be tolerated by in silico analysis. Since supporting evidence is limited at this time, the clinical significance of this alteration remains unclear.